The following is an entry in ClinVar:

ClinVar aggregate classification (germline): Benign. Review status: criteria provided, multiple submitters, no conflicts (2 of 4 stars). 9 submissions from 9 submitters: Benign (7). 2 of the submissions do not count toward it. Last evaluated 2026-09-01.

Conditions:
ASAH1-related disorders. Also called: ASAH1-related condition; ASAH1-related disorder. Identifiers: MedGen CN376120, MONDO:0800460.
Farber lipogranulomatosis (FRBRL). Also called: Farber disease; Farber's lipogranulomatosis; Farber's disease; AC DEFICIENCY; ACID CERAMIDASE DEFICIENCY; CERAMIDASE DEFICIENCY. Identifiers: Orphanet 333, MedGen C0268255, MONDO:0009218, OMIM 228000.

Allele frequency attached by ClinVar (database versions not stated): ESP Exome Variant Server 0.00062; gnomAD exomes 0.00234 and 0.00877; gnomAD 0.00379 and 0.00409; TOPMed 0.00608; ExAC 0.00768; 1000 Genomes Project 0.00919; 1000 Genomes Project 30x 0.00953.
gnomAD v4.1: 4,066 of 1,598,538 alleles (0.25%); highest among the groups gnomAD compares: Admixed American, 3.4%; 50 homozygotes.

Submissions (9):

CeGaT Center for Human Genetics Tuebingen
Classification: Benign. Last evaluated: 2026-09-01. Review status: criteria provided, single submitter. Criteria: CeGaT Center For Human Genetics Tuebingen Variant Classification Criteria Version 2. Collection method: clinical testing. Allele origin: germline. Affected: yes. Observed: 15 variant alleles.
Comment: ASAH1: BP4, BS1, BS2

Labcorp Genetics (formerly Invitae), Labcorp
Classification: Benign. Last evaluated: 2026-02-03. Review status: criteria provided, single submitter. Criteria: Invitae Variant Classification Sherloc (09022015). Collection method: clinical testing. Allele origin: germline.

Athena Diagnostics
Classification: Benign. Last evaluated: 2024-09-30. Review status: criteria provided, single submitter. Criteria: Athena Diagnostics Criteria. Collection method: clinical testing. Allele origin: unknown.

GeneDx
Classification: Benign. Last evaluated: 2020-04-02. Review status: criteria provided, single submitter. Criteria: GeneDx Variant Classification Process June 2021. Collection method: clinical testing. Allele origin: germline. Affected: yes.
Comment: This variant is associated with the following publications: (PMID: 29140481)

Illumina Laboratory Services, Illumina
Classification: Benign for Farber lipogranulomatosis. Last evaluated: 2018-01-12. Review status: criteria provided, single submitter. Criteria: ICSL Variant Classification Criteria 13 December 2019. Collection method: clinical testing. Allele origin: germline.
Comment: This variant was observed in the ICSL laboratory as part of a predisposition screen in an ostensibly healthy population. It had not been previously curated by ICSL or reported in the Human Gene Mutation Database (HGMD: prior to June 1st, 2018), and was therefore a candidate for classification through an automated scoring system. Utilizing variant allele frequency, disease prevalence and penetrance estimates, and inheritance mode, an automated score was calculated to assess if this variant is too frequent to cause the disease. Based on the score and internal cut-off values, a variant classified as benign is not then subjected to further curation. The score for this variant resulted in a classification of benign for this disease.

Center for Pediatric Genomic Medicine, Children's Mercy Hospital and Clinics
Classification: Benign. Last evaluated: 2016-12-30. Review status: criteria provided, single submitter. Criteria: ACMG Guidelines, 2015. Collection method: clinical testing. Allele origin: germline.

Breakthrough Genomics
Classification: Benign. Review status: criteria provided, single submitter. Criteria: ACMG Guidelines, 2015. Collection method: not provided. Allele origin: germline. Inheritance: Autosomal recessive inheritance. Affected: yes.

PreventionGenetics, part of Exact Sciences
Classification: Benign for ASAH1-related condition. Last evaluated: 2019-05-17. Review status: no assertion criteria provided. Collection method: clinical testing. Allele origin: germline. Not counted in ClinVar's aggregate classification.
Comment: This variant is classified as benign based on ACMG/AMP sequence variant interpretation guidelines (Richards et al. 2015 PMID: 25741868, with internal and published modifications).

Mayo Clinic Laboratories, Mayo Clinic
Classification: Benign. Last evaluated: 2015-12-15. Review status: no assertion criteria provided. Collection method: clinical testing. Allele origin: unknown. Not counted in ClinVar's aggregate classification.

Literature cited by the submitters: PubMed 29140481 (cited by Athena Diagnostics); PubMed 12638942 (cited by Athena Diagnostics); PubMed 30029679 (cited by Athena Diagnostics); PubMed 29358611 (cited by Athena Diagnostics); PubMed 29590070 (cited by Athena Diagnostics).

NM_177924.5(ASAH1):c.1105G>A (p.Val369Ile)

Gene: ASAH1 (N-acylsphingosine amidohydrolase 1; minus strand). Cytogenetic location: 8p22.
Variant type: single nucleotide variant.
Coding change: c.1105G>A on transcript NM_177924.5 (MANE Select); coding-DNA position 1105, G replaced by A.
Protein change: p.Val369Ile; replaces valine 369 with isoleucine.
Molecular consequence: missense variant.
Genome position (GRCh38, 1-based): chr8:18,057,617, C>T on the plus strand (G>A on the coding strand, the complement: ASAH1 is on the minus strand). VCF-style: chr8-18057617-C-T. GRCh37 (hg19) VCF-style: chr8-17915126-C-T.
Other names: c.1087G>A, p.Val363Ile (NM_001127505.3); c.910G>A, p.Val304Ile (NM_001363743.2); c.1153G>A, p.Val385Ile (NM_004315.6); short protein forms V369I, V385I, V304I, V363I.
Identifiers: ClinVar variation 362373 (VCV000362373.46), dbSNP rs17636067, ClinGen allele CA4650510.